The following is an entry in ClinVar:

NM_005359.6(SMAD4):c.298A>C (p.Arg100=)

Gene: SMAD4 (SMAD family member 4; plus strand). Cytogenetic location: 18q21.2.
Variant type: single nucleotide variant.
Coding change: c.298A>C on transcript NM_005359.6 (MANE Select); coding-DNA position 298, A replaced by C.
Protein change: p.Arg100=; no amino-acid change (arginine 100 retained).
Molecular consequence: synonymous variant.
Genome position (GRCh38, 1-based): chr18:51,048,734, A>C. VCF-style: chr18-51048734-A-C. GRCh37 (hg19) VCF-style: chr18-48575104-A-C.
Identifiers: ClinVar variation 484792 (VCV000484792.22), dbSNP rs751154230, ClinGen allele CA8965766.

ClinVar aggregate classification (germline): Conflicting classifications of pathogenicity. Review status: criteria provided, conflicting classifications (1 of 4 stars). 9 submissions from 7 submitters: Uncertain significance (2); Benign (1); Likely benign (6). Last evaluated 2025-07-30.

Conditions:
Hereditary cancer-predisposing syndrome. Also called: Hereditary neoplastic syndrome; Tumor predisposition; Neoplastic Syndromes, Hereditary; Hereditary Cancer Syndrome. Identifiers: Orphanet 140162, MedGen C0027672, MeSH D009386, MONDO:0015356.
Familial thoracic aortic aneurysm and aortic dissection (TAAD). Also called: Thoracic aortic aneurysms and dissections. Identifiers: Orphanet 91387, MedGen C4707243, MONDO:0019625.
Juvenile polyposis syndrome (JPS). Identifiers: Orphanet 2929, MedGen C0345893, MONDO:0017380, OMIM 174900.
Myhre syndrome (MYHRS). Also called: LARYNGOTRACHEAL STENOSIS, ARTHROPATHY, PROGNATHISM, AND SHORT STATURE; LAPS SYNDROME. Identifiers: Orphanet 2588, MedGen C0796081, MONDO:0007688, OMIM 139210.
Generalized juvenile polyposis/juvenile polyposis coli. Also called: Juvenile polyposis coli. Identifiers: Orphanet 329971, MedGen C1868081, MONDO:0008276.
Juvenile polyposis/hereditary hemorrhagic telangiectasia syndrome (JPHT). Also called: Juvenile Polyposis Syndrome / Hereditary Hemorrhagic Telangiectasia (JPS/HHT); JP/HHT SYNDROME; JUVENILE POLYPOSIS WITH HEREDITARY HEMORRHAGIC TELANGIECTASIA; POLYPOSIS, GENERALIZED JUVENILE, WITH PULMONARY ARTERIOVENOUS MALFORMATION; TELANGIECTASIA, HEREDITARY HEMORRHAGIC, WITH JUVENILE POLYPOSIS COLI. Identifiers: Orphanet 2929, MedGen C1832942, MONDO:0008278, OMIM 175050.

Allele frequency attached by ClinVar (database versions not stated): gnomAD exomes below 0.00001 and 0.00001; ExAC 0.00002.
gnomAD v4.1: 2 of 1,614,006 alleles (0.00012%); highest among the groups gnomAD compares: Non-Finnish European, 0.00017%; no homozygotes.

Submissions (9):

Labcorp Genetics (formerly Invitae), Labcorp
Classification: Likely benign for Juvenile polyposis syndrome. Last evaluated: 2025-07-30. Review status: criteria provided, single submitter. Criteria: Invitae Variant Classification Sherloc (09022015). Collection method: clinical testing. Allele origin: germline.

Myriad Genetics, Inc.
Classification: Benign for Juvenile polyposis/hereditary hemorrhagic telangiectasia syndrome. Last evaluated: 2025-03-18. Review status: criteria provided, single submitter. Criteria: Myriad Autosomal Dominant, Autosomal Recessive and X-Linked Classification Criteria (2023). Collection method: clinical testing. Allele origin: unknown.
Comment: This variant is considered benign. This variant is a silent/synonymous amino acid change, and it is not expected to impact splicing.

Women's Health and Genetics/Laboratory Corporation of America, LabCorp
Classification: Likely benign. Last evaluated: 2024-07-29. Review status: criteria provided, single submitter. Criteria: LabCorp Variant Classification Summary - May 2015. Collection method: clinical testing. Allele origin: germline.

All of Us Research Program, National Institutes of Health
Classification: Likely benign for Juvenile polyposis/hereditary hemorrhagic telangiectasia syndrome. Last evaluated: 2023-12-13. Review status: criteria provided, single submitter. Criteria: ACMG Guidelines, 2015. Collection method: clinical testing. Allele origin: germline. Inheritance: Autosomal dominant inheritance. Observed: 2 variant alleles, 2 heterozygotes.
Comment: This study involves interpretation of variants in research participants for the purpose of population health screening. Participant phenotype was not available at the time of variant classification. Additional details can be found in publication PMID: 35346344, PMCID: PMC8962531

Color Diagnostics, LLC DBA Color Health
Classification: Likely benign for Hereditary cancer-predisposing syndrome. Last evaluated: 2021-04-30. Review status: criteria provided, single submitter. Criteria: ACMG Guidelines, 2015. Collection method: clinical testing. Allele origin: germline.

Illumina Laboratory Services, Illumina
Classification: Uncertain significance for Juvenile polyposis syndrome. Last evaluated: 2018-01-12. Review status: criteria provided, single submitter. Criteria: ICSL Variant Classification Criteria 13 December 2019. Collection method: clinical testing. Allele origin: germline.

Illumina Laboratory Services, Illumina
Classification: Uncertain significance for Juvenile polyposis/hereditary hemorrhagic telangiectasia syndrome. Last evaluated: 2018-01-12. Review status: criteria provided, single submitter. Criteria: ICSL Variant Classification Criteria 13 December 2019. Collection method: clinical testing. Allele origin: germline.

Illumina Laboratory Services, Illumina
Classification: Likely benign for Myhre syndrome. Last evaluated: 2018-01-12. Review status: criteria provided, single submitter. Criteria: ICSL Variant Classification Criteria 13 December 2019. Collection method: clinical testing. Allele origin: germline.
Comment: This variant was observed in the ICSL laboratory as part of a predisposition screen in an ostensibly healthy population. It had not been previously curated by ICSL or reported in the Human Gene Mutation Database (HGMD: prior to June 1st, 2018), and was therefore a candidate for classification through an automated scoring system. Utilizing variant allele frequency, disease prevalence and penetrance estimates, and inheritance mode, an automated score was calculated to assess if this variant is too frequent to cause the disease. Based on the score and internal cut-off values, a variant classified as likely benign is not then subjected to further curation. The score for this variant resulted in a classification of likely benign for this disease.

Ambry Genetics
Classification: Likely benign for Hereditary cancer-predisposing syndrome; Familial thoracic aortic aneurysm and aortic dissection. Last evaluated: 2017-09-26. Review status: criteria provided, single submitter. Criteria: Ambry Variant Classification Scheme 2023. Collection method: clinical testing. Allele origin: germline.